The following is an entry in ClinVar:

ClinVar aggregate classification (germline): Likely benign (1 of 4 stars; one submission).

Conditions:
PIEZO1-related disorder. Also called: PIEZO1-related condition; PIEZO1-Related Disorders.

gnomAD v4.1: 3 of 1,550,152 alleles (0.00019%); highest among the groups gnomAD compares: South Asian, 0.0024%; no homozygotes.

Submission:

PreventionGenetics, part of Exact Sciences
Classification: Likely benign for PIEZO1-related condition. Last evaluated: 2026-08-06. Review status: criteria provided, single submitter. Criteria: ACMG Guidelines, 2015. Collection method: clinical testing. Allele origin: germline.
Comment: This variant is classified as likely benign based on ACMG/AMP sequence variant interpretation guidelines (Richards et al. 2015 PMID: 25741868, with internal and published modifications).

NM_001142864.4(PIEZO1):c.7545G>A (p.Lys2515=)

Gene: PIEZO1 (piezo type mechanosensitive ion channel component 1 (Er blood group); minus strand). Cytogenetic location: 16q24.3.
Variant type: single nucleotide variant.
Coding change: c.7545G>A on transcript NM_001142864.4 (MANE Select); coding-DNA position 7545, G replaced by A.
Protein change: p.Lys2515=; no amino-acid change (lysine 2515 retained).
Molecular consequence: synonymous variant.
Genome position (GRCh38, 1-based): chr16:88,715,626, C>T on the plus strand (G>A on the coding strand, the complement: PIEZO1 is on the minus strand). VCF-style: chr16-88715626-C-T. GRCh37 (hg19) VCF-style: chr16-88782034-C-T.
Identifiers: ClinVar variation 4986686 (VCV004986686.1).
Genomic context (GRCh38, chr16:88,715,626, plus strand): 5'-CAGGCCGGCTCCTTCCCTCTCGGGCGCCAGCAGCAGCTCCTACTCCTTCTCACGAGTCCA[C>T]TTGATCATGGTCTCCGGTGAGCGGTAGAGGAAGATGAGCTTGGCGTACAACTCCTCCTCC-3'
Protein context (NP_001136336.2, residues 2505-2521): FLYRSPETMI[Lys2515=]WTREKE